The following is an entry in ClinVar:

ClinVar aggregate classification (germline): Uncertain significance (1 of 4 stars; one submission).

Conditions:
Inborn genetic diseases. Identifiers: MedGen C0950123, MeSH D030342.

Allele frequency attached by ClinVar (database versions not stated): gnomAD exomes below 0.00001.

Submission:

Ambry Genetics
Classification: Uncertain significance for Inborn genetic diseases. Last evaluated: 2023-05-19. Review status: criteria provided, single submitter. Criteria: Ambry Variant Classification Scheme 2023. Collection method: clinical testing. Allele origin: germline.
Comment: The p.M1289V variant (also known as c.3865A>G), located in coding exon 21 of the ATR gene, results from an A to G substitution at nucleotide position 3865. The methionine at codon 1289 is replaced by valine, an amino acid with highly similar properties. This amino acid position is conserved. In addition, the in silico prediction for this alteration is inconclusive. Since supporting evidence is limited at this time, the clinical significance of this alteration remains unclear.

NM_001184.4(ATR):c.3865A>G (p.Met1289Val)

Gene: ATR (ATR checkpoint kinase; minus strand). Cytogenetic location: 3q23.
Variant type: single nucleotide variant.
Coding change: c.3865A>G on transcript NM_001184.4 (MANE Select); coding-DNA position 3865, A replaced by G.
Protein change: p.Met1289Val; replaces methionine 1289 with valine.
Molecular consequence: missense variant.
Genome position (GRCh38, 1-based): chr3:142,535,160, T>C on the plus strand (A>G on the coding strand, the complement: ATR is on the minus strand). VCF-style: chr3-142535160-T-C. GRCh37 (hg19) VCF-style: chr3-142254002-T-C.
Other names: c.3673A>G, p.Met1225Val (NM_001354579.2); short protein forms M1225V, M1289V.
Identifiers: ClinVar variation 2561381 (VCV002561381.2), dbSNP rs2108424999, ClinGen allele CA354806255.
Genomic context (GRCh38, chr3:142,535,160, plus strand): 5'-CCTTCAAGCTTGTAAGAGCATGAATACGAACATCGACATTTTCATGTTGAATGGCCTTCA[T>C]AGAGAGCTGAAGAGTTGTCTGAAGATCAGTGCTCTCAGAGGTCTCCTATATACAAAGCAC-3'
Protein context (NP_001175.2, residues 1279-1299): TDLQTTLQLS[Met1289Val]KAIQHENVDV